The following is an entry in ClinVar:

NM_000122.2(ERCC3):c.315G>C (p.Glu105Asp)

Gene: ERCC3 (ERCC excision repair 3, TFIIH core complex helicase subunit; minus strand). Cytogenetic location: 2q14.3.
Variant type: single nucleotide variant.
Coding change: c.315G>C on transcript NM_000122.2 (MANE Select); coding-DNA position 315, G replaced by C.
Protein change: p.Glu105Asp; replaces glutamic acid 105 with aspartic acid.
Molecular consequence: missense variant.
Genome position (GRCh38, 1-based): chr2:127,292,766, C>G on the plus strand (G>C on the coding strand, the complement: ERCC3 is on the minus strand). VCF-style: chr2-127292766-C-G. GRCh37 (hg19) VCF-style: chr2-128050342-C-G.
Other names: c.123G>C, p.Glu41Asp (NM_001303416.2, NM_001303418.2); short protein forms E105D, E41D.
Identifiers: ClinVar variation 1979272 (VCV001979272.4), dbSNP rs201698871, ClinGen allele CA348391790.

ClinVar aggregate classification (germline): Uncertain significance (1 of 4 stars; one submission).

gnomAD v4.1: 2 of 1,613,770 alleles (0.00012%); highest among the groups gnomAD compares: Non-Finnish European, 0.00017%; no homozygotes.

Submission:

Labcorp Genetics (formerly Invitae), Labcorp
Classification: Uncertain significance. Last evaluated: 2022-02-28. Review status: criteria provided, single submitter. Criteria: Invitae Variant Classification Sherloc (09022015). Collection method: clinical testing. Allele origin: germline.
Comment: This variant has not been reported in the literature in individuals affected with ERCC3-related conditions. In summary, the available evidence is currently insufficient to determine the role of this variant in disease. Therefore, it has been classified as a Variant of Uncertain Significance. Algorithms developed to predict the effect of missense changes on protein structure and function are either unavailable or do not agree on the potential impact of this missense change (SIFT: "Deleterious"; PolyPhen-2: "Probably Damaging"; Align-GVGD: "Class C0"). This variant is present in population databases (no rsID available, gnomAD 0.0009%). This sequence change replaces glutamic acid, which is acidic and polar, with aspartic acid, which is acidic and polar, at codon 105 of the ERCC3 protein (p.Glu105Asp).